The following is an entry in ClinVar:

NM_000264.5(PTCH1):c.290_291insG (p.Asn97fs)

Gene: PTCH1 (patched 1; minus strand). Cytogenetic location: 9q22.32.
Variant type: Insertion.
Coding change: c.290_291insG on transcript NM_000264.5 (MANE Select); coding-DNA positions 290 to 291, G inserted.
Protein change: p.Asn97fs; shifts the reading frame from asparagine 97.
Molecular consequence: frameshift variant. On other transcripts: 5 prime UTR variant (4), non-coding transcript variant (1).
Genome position: GRCh38 VCF-style: chr9-95506510-G-GC. GRCh37 (hg19) VCF-style: chr9-98268792-G-GC.
Other names: c.92_93insG, p.Asn31fs (NM_001083602.3, NM_001354919.2); c.287_288insG, p.Asn96fs (NM_001083603.3); c.-164_-163insG (NM_001083604.3, NM_001083605.3, NM_001083606.3 and 1 more transcripts); c.290_291insG, p.Asn97fs (NM_001354918.2); short protein forms N31fs, N96fs, N97fs.
Identifiers: ClinVar variation 2444183 (VCV002444183.1), dbSNP rs2538383374, ClinGen allele CA2580080715.

ClinVar aggregate classification (germline): Likely pathogenic (1 of 4 stars; one submission).

Conditions:
Gorlin syndrome. Also called: Nevoid Basal Cell Carcinoma Syndrome; Basal cell nevus syndrome. Identifiers: Orphanet 377, MedGen C0004779, MONDO:0007187.

Submission:

3billion
Classification: Likely pathogenic for Basal cell nevus syndrome 1. Last evaluated: 2023-02-23. Review status: criteria provided, single submitter. Criteria: ACMG Guidelines, 2015. Collection method: clinical testing. Allele origin: unknown. Affected: yes.
Comment: The variant is not observed in the gnomAD v2.1.1 dataset. This variant was predicted to result in a loss or disruption of normal protein function through nonsense-mediated decay (NMD) or protein truncation. Multiple pathogenic variants are reported downstream of the variant. Therefore, this variant is classified as Likely pathogenic according to the recommendation of ACMG/AMP guideline.